The following is an entry in ClinVar:

ClinVar aggregate classification (germline): Uncertain significance. Review status: criteria provided, multiple submitters, no conflicts (2 of 4 stars). 2 submissions from 2 submitters: Uncertain significance (2). Last evaluated 2024-08-28.

Conditions:
Ataxia-telangiectasia syndrome (AT). Also called: Cerebello-oculocutaneous telangiectasia; Immunodeficiency with ataxia telangiectasia; Ataxia-telangiectasia, complementation group E; LOUIS-BAR SYNDROME; Ataxia telangiectasia (A-T); AT, COMPLEMENTATION GROUP C. Identifiers: Orphanet 100, MedGen C0004135, MONDO:0008840, OMIM 208900.
Hereditary cancer-predisposing syndrome. Also called: Hereditary Cancer Syndrome; Hereditary neoplastic syndrome; Neoplastic Syndromes, Hereditary; Tumor predisposition. Identifiers: Orphanet 140162, MedGen C0027672, MeSH D009386, MONDO:0015356.

Allele frequency attached by ClinVar (database versions not stated): TOPMed 0.00001.

Submissions (2):

Labcorp Genetics (formerly Invitae), Labcorp
Classification: Uncertain significance for Ataxia-telangiectasia syndrome. Last evaluated: 2024-08-28. Review status: criteria provided, single submitter. Criteria: Invitae Variant Classification Sherloc (09022015). Collection method: clinical testing. Allele origin: germline.
Comment: This sequence change affects codon 997 of the ATM mRNA. It is a 'silent' change, meaning that it does not change the encoded amino acid sequence of the ATM protein. This variant is not present in population databases (gnomAD no frequency). This variant has not been reported in the literature in individuals affected with ATM-related conditions. Algorithms developed to predict the effect of sequence changes on RNA splicing suggest that this variant may create or strengthen a splice site. In summary, the available evidence is currently insufficient to determine the role of this variant in disease. Therefore, it has been classified as a Variant of Uncertain Significance.

Ambry Genetics
Classification: Uncertain significance for Hereditary cancer-predisposing syndrome. Last evaluated: 2024-08-06. Review status: criteria provided, single submitter. Criteria: Ambry Variant Classification Scheme 2023. Collection method: clinical testing. Allele origin: germline.
Comment: The c.2991A>T variant (also known as p.V997V), located in coding exon 19 of the ATM gene, results from an A to T substitution at nucleotide position 2991. This nucleotide substitution does not change the valine at codon 997. This nucleotide position is not well conserved in available vertebrate species. In silico splice site analysis predicts that this alteration will result in the creation or strengthening of a novel splice acceptor site. Based on the available evidence, the clinical significance of this variant remains unclear.

NM_000051.4(ATM):c.2991A>T (p.Val997=)

Gene: ATM (ATM serine/threonine kinase; plus strand). Cytogenetic location: 11q22.3.
Variant type: single nucleotide variant.
Coding change: c.2991A>T on transcript NM_000051.4 (MANE Select); coding-DNA position 2991, A replaced by T.
Protein change: p.Val997=; no amino-acid change (valine 997 retained).
Molecular consequence: synonymous variant.
Genome position (GRCh38, 1-based): chr11:108,271,320, A>T. VCF-style: chr11-108271320-A-T. GRCh37 (hg19) VCF-style: chr11-108142047-A-T.
Other names: c.2991A>T, p.Val997= (NM_001351834.2).
Identifiers: ClinVar variation 2701424 (VCV002701424.4), dbSNP rs1203368496, ClinGen allele CA476674304.